The following is an entry in ClinVar:

ClinVar aggregate classification (germline): Likely pathogenic (1 of 4 stars; one submission).

Conditions:
Arthrogryposis, distal, with impaired proprioception and touch (DAIPT). Identifiers: MedGen C4310692, MONDO:0014941, OMIM 617146.

Allele frequency attached by ClinVar (database versions not stated): gnomAD exomes below 0.00001.
gnomAD v4.1: 1 of 1,537,360 alleles (0.000065%); highest among the groups gnomAD compares: South Asian, 0.0012%; no homozygotes.

Submission:

Neuberg Centre For Genomic Medicine, NCGM
Classification: Likely pathogenic for Arthrogryposis, distal, with impaired proprioception and touch. Review status: criteria provided, single submitter. Criteria: ACMG Guidelines, 2015. Collection method: clinical testing. Allele origin: germline. Inheritance: Autosomal recessive inheritance. Affected: yes.
Comment: The c.2882G>A (p.Trp961Ter) stop gained variant has not been reported previously as a pathogenic variant nor as a benign variant, to our knowledge. The p.Trp961Ter variant is novel (not in any individuals) in gnomAD Exomes and is novel (not in any individuals) in 1000 Genomes. This variant is predicted to cause loss of normal protein function through protein truncation. Loss of function variants have been previously reported to be disease causing. The nucleotide change c.2882G>A in PIEZO2 is predicted as conserved by GERP++ and PhyloP across 100 vertebrates. For these reasons, this variant has been classified as Likely Pathogenic. In the absence of another reportable variant /CNV in PIEZO2 gene, the molecular diagnosis is not confirmed.

NM_001378183.1(PIEZO2):c.2882G>A (p.Trp961Ter)

Genes: PIEZO2 (piezo type mechanosensitive ion channel component 2; minus strand), LOC126862696 (BRD4-independent group 4 enhancer GRCh37_chr18:10769534-10770733; plus strand). Cytogenetic location: 18p11.22.
Variant type: single nucleotide variant.
Coding change: c.2882G>A on transcript NM_001378183.1 (MANE Select); coding-DNA position 2882, G replaced by A.
Protein change: p.Trp961Ter; replaces tryptophan 961 with a stop codon.
Molecular consequence: nonsense.
Genome position (GRCh38, 1-based): chr18:10,770,212, C>T on the plus strand (G>A on the coding strand, the complement: PIEZO2 is on the minus strand). VCF-style: chr18-10770212-C-T. GRCh37 (hg19) VCF-style: chr18-10770210-C-T.
Other names: c.2882G>A, p.Trp961Ter (NM_001410871.1); c.2807G>A, p.Trp936Ter (NM_022068.4); short protein forms W936*, W961*.
Identifiers: ClinVar variation 2585069 (VCV002585069.1), dbSNP rs2510686669, ClinGen allele CA401917071.